The following is an entry in ClinVar:

ClinVar aggregate classification (germline): Uncertain significance. Review status: criteria provided, multiple submitters, no conflicts (2 of 4 stars). 2 submissions from 2 submitters: Uncertain significance (2). Last evaluated 2025-09-28.

gnomAD v4.1: 62 of 1,613,372 alleles (0.0038%); highest among the groups gnomAD compares: Non-Finnish European, 0.0047%; no homozygotes.

Submissions (2):

Ambry Genetics
Classification: Uncertain significance. Last evaluated: 2025-09-28. Review status: criteria provided, single submitter. Criteria: Ambry Variant Classification Scheme 2023. Collection method: clinical testing. Allele origin: germline.

Labcorp Genetics (formerly Invitae), Labcorp
Classification: Uncertain significance. Last evaluated: 2025-05-13. Review status: criteria provided, single submitter. Criteria: Invitae Variant Classification Sherloc (09022015). Collection method: clinical testing. Allele origin: germline.
Comment: This sequence change replaces threonine, which is neutral and polar, with alanine, which is neutral and non-polar, at codon 152 of the MAPKAPK3 protein (p.Thr152Ala). This variant is present in population databases (rs370373095, gnomAD 0.004%). This variant has not been reported in the literature in individuals affected with MAPKAPK3-related conditions. ClinVar contains an entry for this variant (Variation ID: 3614640). An algorithm developed to predict the effect of missense changes on protein structure and function (PolyPhen-2) suggests that this variant is likely to be tolerated. In summary, the available evidence is currently insufficient to determine the role of this variant in disease. Therefore, it has been classified as a Variant of Uncertain Significance.

NM_001243925.2(MAPKAPK3):c.454A>G (p.Thr152Ala)

Gene: MAPKAPK3 (MAPK activated protein kinase 3; plus strand). Cytogenetic location: 3p21.2.
Variant type: single nucleotide variant.
Coding change: c.454A>G on transcript NM_001243925.2 (MANE Select); coding-DNA position 454, A replaced by G.
Protein change: p.Thr152Ala; replaces threonine 152 with alanine.
Molecular consequence: missense variant.
Genome position (GRCh38, 1-based): chr3:50,642,282, A>G. VCF-style: chr3-50642282-A-G. GRCh37 (hg19) VCF-style: chr3-50679713-A-G.
Other names: c.454A>G, p.Thr152Ala (NM_001243926.2, NM_004635.5); c.454A>G (NM_004635.4); short protein forms T152A.
Identifiers: ClinVar variation 3614640 (VCV003614640.3).